The following is an entry in ClinVar:

ClinVar aggregate classification (germline): Uncertain significance (1 of 4 stars; one submission).

gnomAD v4.1: 1 of 1,613,738 alleles (0.000062%); highest among the groups gnomAD compares: Non-Finnish European, 0.000085%; no homozygotes.

Submission:

GeneDx
Classification: Uncertain significance. Last evaluated: 2019-09-06. Review status: criteria provided, single submitter. Criteria: GeneDx Variant Classification Process June 2021. Collection method: clinical testing. Allele origin: germline. Affected: yes.
Comment: Has not been previously published as pathogenic or benign to our knowledge; Not observed in large population cohorts (Lek et al., 2016); In silico analysis, which includes protein predictors and evolutionary conservation, supports that this variant does not alter protein structure/function

NM_001148.6(ANK2):c.4168G>A (p.Val1390Ile)

Gene: ANK2 (ankyrin 2; plus strand). Cytogenetic location: 4q26.
Variant type: single nucleotide variant.
Coding change: c.4168G>A on transcript NM_001148.6 (MANE Select); coding-DNA position 4168, G replaced by A.
Protein change: p.Val1390Ile; replaces valine 1390 with isoleucine.
Molecular consequence: missense variant.
Genome position (GRCh38, 1-based): chr4:113,343,062, G>A. VCF-style: chr4-113343062-G-A. GRCh37 (hg19) VCF-style: chr4-114264218-G-A.
Other names: c.4006G>A, p.Val1336Ile (NM_001354245.2, NM_001354262.2, NM_001354275.2); c.4165G>A, p.Val1389Ile (NM_001354246.2, NM_001354265.2, NM_001354235.2); c.3982G>A, p.Val1328Ile (NM_001354249.2, NM_001354266.2, NM_001354267.2 and 6 more transcripts); c.4138G>A, p.Val1380Ile (NM_001354252.2, NM_001354239.2); c.3943G>A, p.Val1315Ile (NM_001354253.2, NM_001354270.2); c.4117G>A, p.Val1373Ile (NM_001354254.2); c.4105G>A, p.Val1369Ile (NM_001354255.2, NM_001354243.2, NM_001386143.1); c.4102G>A, p.Val1368Ile (NM_001354256.2, NM_001354244.2, NM_001386161.1); and 31 more; short protein forms V1229I, V1262I, V1290I, V1295I, V1303I, V1315I, V1319I, V1323I.
Identifiers: ClinVar variation 1316003 (VCV001316003.2), dbSNP rs754436435, ClinGen allele CA103805305.